The following is an entry in ClinVar:

ClinVar aggregate classification (germline): Likely benign (1 of 4 stars; one submission).

Allele frequency attached by ClinVar (database versions not stated): gnomAD exomes below 0.00001; TOPMed below 0.00001.
gnomAD v4.1: 9 of 1,331,854 alleles (0.00068%); highest among the groups gnomAD compares: African/African-American, 0.0029%; no homozygotes.

Submission:

GeneDx
Classification: Likely benign. Last evaluated: 2018-05-21. Review status: criteria provided, single submitter. Criteria: GeneDx Variant Classification (06012015). Collection method: clinical testing. Allele origin: germline. Affected: yes.
Comment: This variant is considered likely benign or benign based on one or more of the following criteria: it is a conservative change, it occurs at a poorly conserved position in the protein, it is predicted to be benign by multiple in silico algorithms, and/or has population frequency not consistent with disease.

NM_000059.4(BRCA2):c.9648+99A>G

Gene: BRCA2 (BRCA2 DNA repair associated; plus strand). Cytogenetic location: 13q13.1.
Variant type: single nucleotide variant.
Coding change: c.9648+99A>G on transcript NM_000059.4 (MANE Select); 99 bases into the intron after coding-DNA position 9648, A replaced by G.
Molecular consequence: intron variant.
Genome position (GRCh38, 1-based): chr13:32,397,143, A>G. VCF-style: chr13-32397143-A-G. GRCh37 (hg19) VCF-style: chr13-32971280-A-G.
Identifiers: ClinVar variation 678561 (VCV000678561.1), dbSNP rs1593201106, ClinGen allele CA915948627.
Genomic context (GRCh38, chr13:32,397,143, plus strand): 5'-TATATGGAGGCCATCGTATATTCTGTTGTATACCTAGTAAACATGGTAAAATGTAATTAA[A>G]CTTAATTAGAAAATGTGGTTGTTATGTGGCTCCTGTAAGTATAGTTATTTAGAAATTTTA-3'